The following is an entry in ClinVar:

NM_001370259.2(MEN1):c.961del (p.Tyr321fs)

Gene: MEN1 (menin 1; minus strand). Cytogenetic location: 11q13.1.
Variant type: Deletion.
Coding change: c.961del on transcript NM_001370259.2 (MANE Select); coding-DNA position 961, one base deleted (T; older notation c.961delT).
Protein change: p.Tyr321fs; shifts the reading frame from tyrosine 321.
Molecular consequence: frameshift variant.
Genome position (GRCh38, 1-based): chr11:64,806,320, A deleted on the plus strand (T on the coding strand, the reverse complement: MEN1 is on the minus strand). VCF-style (leftmost placement, unchanged base first): chr11-64806319-TA-T. GRCh37 (hg19) VCF-style: chr11-64573791-TA-T.
Other names: c.976del, p.Tyr326fs (NM_000244.4, NM_130800.3, NM_130801.3 and 3 more transcripts); c.961del, p.Tyr321fs (NM_001370251.2, NM_001370260.2, NM_001370261.2 and 1 more transcripts); c.856del, p.Tyr286fs (NM_001370262.2, NM_001370263.2); c.961delT, p.Tyr321Thrfs (NM_001407142.1, NM_001407143.1, NM_001407144.1 and 3 more transcripts); c.976delT, p.Tyr326Thrfs (NM_001407145.1, NM_001407150.1); c.856delT, p.Tyr286Thrfs (NM_001407148.1, NM_001407149.1, NM_001407151.1); short protein forms Y321fs, Y326fs, Y286fs.
Identifiers: ClinVar variation 1767593 (VCV001767593.3), dbSNP rs2497175204, ClinGen allele CA2580084484.

ClinVar aggregate classification (germline): Pathogenic. Review status: criteria provided, multiple submitters, no conflicts (2 of 4 stars). 2 submissions from 2 submitters: Pathogenic (2). Last evaluated 2024-10-25.

Conditions:
Hereditary cancer-predisposing syndrome. Also called: Tumor predisposition; Neoplastic Syndromes, Hereditary; Hereditary Cancer Syndrome; Hereditary neoplastic syndrome. Identifiers: Orphanet 140162, MedGen C0027672, MeSH D009386, MONDO:0015356.
Multiple endocrine neoplasia, type 1 (MEN1). Also called: MEN I; WERMER SYNDROME; Endocrine adenomatosis multiple; MEN 1; MEA I. Identifiers: Orphanet 652, MedGen C0025267, MeSH D018761, MONDO:0007540, OMIM 131100.

Submissions (2):

Molecular Pathology, Peter Maccallum Cancer Centre
Classification: Pathogenic for Multiple endocrine neoplasia, type 1. Last evaluated: 2024-10-25. Review status: criteria provided, single submitter. Criteria: ACMG Guidelines, 2015. Collection method: clinical testing. Allele origin: germline. Inheritance: Autosomal dominant inheritance.

Ambry Genetics
Classification: Pathogenic for Hereditary cancer-predisposing syndrome. Last evaluated: 2021-06-30. Review status: criteria provided, single submitter. Criteria: Ambry Variant Classification Scheme 2023. Collection method: clinical testing. Allele origin: germline.
Comment: The c.961delT pathogenic mutation, located in coding exon 6 of the MEN1 gene, results from a deletion of one nucleotide at nucleotide position 961, causing a translational frameshift with a predicted alternate stop codon (p.Y321Tfs*47). This alteration is expected to result in loss of function by premature protein truncation or nonsense-mediated mRNA decay. As such, this alteration is interpreted as a disease-causing mutation.